The following is an entry in ClinVar:

ClinVar aggregate classification (germline): Uncertain significance (1 of 4 stars; one submission).

Submission:

Mayo Clinic Laboratories, Mayo Clinic
Classification: Uncertain significance. Last evaluated: 2025-10-08. Review status: criteria provided, single submitter. Criteria: ACMG Guidelines, 2015. Collection method: clinical testing. Allele origin: germline. Observed: 1 variant allele.
Comment: PP3

NM_014846.4(WASHC5):c.3118C>A (p.Pro1040Thr)

Gene: WASHC5 (WASH complex subunit 5; minus strand). Cytogenetic location: 8q24.13.
Variant type: single nucleotide variant.
Coding change: c.3118C>A on transcript NM_014846.4 (MANE Select); coding-DNA position 3118, C replaced by A.
Protein change: p.Pro1040Thr; replaces proline 1040 with threonine.
Molecular consequence: missense variant.
Genome position (GRCh38, 1-based): chr8:125,037,300, G>T on the plus strand (C>A on the coding strand, the complement: WASHC5 is on the minus strand). VCF-style: chr8-125037300-G-T. GRCh37 (hg19) VCF-style: chr8-126049542-G-T.
Other names: p.Pro1040Thr; c.2674C>A, p.Pro892Thr (NM_001330609.2); short protein forms P1040T, P892T.
Identifiers: ClinVar variation 4541396 (VCV004541396.1).